The following is an entry in ClinVar:

NM_004183.4(BEST1):c.218T>A (p.Ile73Asn)

Gene: BEST1 (bestrophin 1; plus strand). Cytogenetic location: 11q12.3.
Variant type: single nucleotide variant.
Coding change: c.218T>A on transcript NM_004183.4 (MANE Select); coding-DNA position 218, T replaced by A.
Protein change: p.Ile73Asn; replaces isoleucine 73 with asparagine.
Molecular consequence: missense variant. On other transcripts: non-coding transcript variant (1).
Genome position (GRCh38, 1-based): chr11:61,955,172, T>A. VCF-style: chr11-61955172-T-A. GRCh37 (hg19) VCF-style: chr11-61722644-T-A.
Other names: c.38T>A, p.Ile13Asn (NM_001139443.3, NM_001300786.2, NM_001300787.2); c.218T>A, p.Ile73Asn (NM_001363592.2); short protein forms I13N, I73N.
Identifiers: ClinVar variation 812229 (VCV000812229.7), dbSNP rs1591280714, ClinGen allele CA380833738.

ClinVar aggregate classification (germline): Pathogenic/Likely pathogenic. Review status: criteria provided, multiple submitters, no conflicts (2 of 4 stars). 3 submissions from 3 submitters: Pathogenic (1); Likely pathogenic (1). 1 of the submissions does not count toward it. Last evaluated 2024-02-09.

Conditions:
Vitelliform macular dystrophy 2. Also called: MACULAR DEGENERATION, POLYMORPHIC VITELLINE; VITELLIFORM MACULAR DYSTROPHY, EARLY-ONSET; VITELLIFORM MACULAR DYSTROPHY, JUVENILE-ONSET; Best vitelliform macular dystrophy, multifocal; Best Macular Dystrophy; Best Vitelliform Macular Dystrophy (BVMD). Identifiers: Orphanet 1243, MedGen C2745945, MONDO:0007931, OMIM 153700.
BEST1-related disorder. Also called: BEST1-related disorders; BEST1-related condition. Identifiers: MedGen CN239200.

Submissions (3):

Blueprint Genetics
Classification: Likely pathogenic for BEST1-related disorders. Last evaluated: 2024-02-09. Review status: criteria provided, single submitter. Criteria: ACMG Guidelines, 2015. Collection method: clinical testing. Allele origin: germline. Affected: yes. Observed: 1 variant allele.

Labcorp Genetics (formerly Invitae), Labcorp
Classification: Pathogenic. Last evaluated: 2022-11-29. Review status: criteria provided, single submitter. Criteria: Invitae Variant Classification Sherloc (09022015). Collection method: clinical testing. Allele origin: germline.
Comment: This variant is not present in population databases (gnomAD no frequency). This sequence change replaces isoleucine, which is neutral and non-polar, with asparagine, which is neutral and polar, at codon 73 of the BEST1 protein (p.Ile73Asn). For these reasons, this variant has been classified as Pathogenic. This variant disrupts the p.Ile73 amino acid residue in BEST1. Other variant(s) that disrupt this residue have been observed in individuals with BEST1-related conditions (PMID: 21269699, 23213274, 28687848), which suggests that this may be a clinically significant amino acid residue. Experimental studies are conflicting or provide insufficient evidence to determine the effect of this variant on BEST1 function (PMID: 17110374). Advanced modeling of protein sequence and biophysical properties (such as structural, functional, and spatial information, amino acid conservation, physicochemical variation, residue mobility, and thermodynamic stability) performed at Invitae indicates that this missense variant is expected to disrupt BEST1 protein function. ClinVar contains an entry for this variant (Variation ID: 812229). This variant is also known as 322T>A, I73N. This missense change has been observed in individuals with autosomal dominant Best vitelliform macular dystrophy (PMID: 11241846, 31456290).

Sharon lab, Hadassah-Hebrew University Medical Center
Classification: Likely pathogenic for Best disease. Last evaluated: 2019-06-23. Review status: no assertion criteria provided. Collection method: research. Allele origin: inherited. Affected: yes. Not counted in ClinVar's aggregate classification.

Literature cited by the submitters: PubMed 21269699 (cited by Labcorp Genetics (formerly Invitae), Labcorp); PubMed 23213274 (cited by Labcorp Genetics (formerly Invitae), Labcorp); PubMed 28687848 (cited by Labcorp Genetics (formerly Invitae), Labcorp); PubMed 17110374 (cited by Labcorp Genetics (formerly Invitae), Labcorp); PubMed 11241846 (cited by Labcorp Genetics (formerly Invitae), Labcorp); PubMed 31456290 (cited by Labcorp Genetics (formerly Invitae), Labcorp).